The following is an entry in ClinVar:

ClinVar aggregate classification (germline): Uncertain significance (1 of 4 stars; one submission).

Conditions:
Inborn genetic diseases. Identifiers: MedGen C0950123, MeSH D030342.

Submission:

Ambry Genetics
Classification: Uncertain significance for Inborn genetic diseases. Last evaluated: 2025-08-31. Review status: criteria provided, single submitter. Criteria: Ambry Variant Classification Scheme 2023. Collection method: clinical testing. Allele origin: germline.
Comment: The p.V246A variant (also known as c.737T>C), located in coding exon 6 of the FANCG gene, results from a T to C substitution at nucleotide position 737. The valine at codon 246 is replaced by alanine, an amino acid with similar properties. This amino acid position is conserved. In addition, this alteration is predicted to be tolerated by in silico analysis. Based on the available evidence, the clinical significance of this variant remains unclear.

NM_004629.2(FANCG):c.737T>C (p.Val246Ala)

Gene: FANCG (FA complementation group G; minus strand). Cytogenetic location: 9p13.3.
Variant type: single nucleotide variant.
Coding change: c.737T>C on transcript NM_004629.2 (MANE Select); coding-DNA position 737, T replaced by C.
Protein change: p.Val246Ala; replaces valine 246 with alanine.
Molecular consequence: missense variant.
Genome position (GRCh38, 1-based): chr9:35,077,011, A>G on the plus strand (T>C on the coding strand, the complement: FANCG is on the minus strand). VCF-style: chr9-35077011-A-G. GRCh37 (hg19) VCF-style: chr9-35077008-A-G.
Other names: short protein forms V246A.
Identifiers: ClinVar variation 4254492 (VCV004254492.1).
Genomic context (GRCh38, chr9:35,077,011, plus strand): 5'-CACCCTAGGACTGTCTTTACCATCTTACGGTGACAGGACCCCAGTGCTGTGTACACCTGG[A>G]CCAACACAGGCCGTGGACACAGGCCTGAGGCCGCTTCATGAAGGCTGCTTAGTGCCTTGT-3'
Protein context (NP_004620.1, residues 236-256): ASGLCPRPVL[Val246Ala]QVYTALGSCH